The following is an entry in ClinVar:

NM_001009944.3(PKD1):c.8287_8289del (p.Leu2763del)

Gene: PKD1 (polycystin 1, transient receptor potential channel interacting; minus strand). Cytogenetic location: 16p13.3.
Variant type: Deletion.
Coding change: c.8287_8289del on transcript NM_001009944.3 (MANE Select); coding-DNA positions 8287 to 8289, 3 bases deleted (CTC; older notation c.8287_8289delCTC).
Protein change: p.Leu2763del; deletes leucine 2763.
Molecular consequence: inframe deletion.
Genome position (GRCh38, 1-based): chr16:2,103,768-2,103,770, GAG deleted on the plus strand (CTC on the coding strand, the reverse complement: PKD1 is on the minus strand); deleting any 3 consecutive bases within chr16:2,103,768-2,103,772 gives the same sequence; the c. name uses the placement nearest the transcript's 3' end. VCF-style (leftmost placement, unchanged base first): chr16-2103767-TGAG-T. GRCh37 (hg19) VCF-style: chr16-2153768-TGAG-T.
Other names: c.8287_8289del, p.Leu2763del (NM_000296.4); short protein forms L2763del.
Identifiers: ClinVar variation 433989 (VCV000433989.3), dbSNP rs1555451280, ClinGen allele CA645373034.
Genomic context (GRCh38, chr16:2,103,767, plus strand): 5'-GGGCCACGATCTCCTCGCCCGCCAGCGTCAGGGGCTCCTCGTTGAGCACGCGGGAGCGCA[TGAG>T]GATGCGCATGAGGGCAGAGGTCAGGTTGTAGGCCTGGGACGCCACCATCCGAGATGGTGA-3'

ClinVar aggregate classification (germline): Likely pathogenic (0 of 4 stars; one submission).

Conditions:
Polycystic kidney disease. Also called: Kidney, Polycystic; Polycystic kidney dysplasia. Identifiers: MedGen C0022680, MeSH D007690, MONDO:0020642, HP:0000113.

Submission:

Department of Pathology and Laboratory Medicine, Sinai Health System
Classification: Likely pathogenic for Polycystic Kidney disease. Review status: no assertion criteria provided. Collection method: clinical testing. Allele origin: unknown. Affected: yes. Study: The Canadian Open Genetics Repository (COGR).
Comment: The PKD1 p.Leu2763del variant was identified in 1 of 440 proband chromosomes (frequency: 0.002) from individuals or families with ADPKD (Hwang 2016). In this paper the variant was found to segregate with 3-4 disease informative individuals. The variant was also identified in ADPKD Mutation Database (classified as likely pathogenic by Athena Diagnostics). The variant was not identified in dbSNP, ClinVar, LOVD 3.0, PKD1-LOVD, the Exome Aggregation Consortium (August 8th 2016), or the Genome Aggregation Database (Feb 27, 2017). This variant is an in-frame deletion resulting in the removal of a leucine residue at codon 2763; the impact of this alteration on PKD1 protein function is not known. In summary, based on the above information the clinical significance of this variant cannot be determined with certainty at this time although we would lean towards a more pathogenic role for this variant. This variant is classified as likely pathogenic.